The following is an entry in ClinVar:

NM_000037.4(ANK1):c.5407C>T (p.Gln1803Ter)

Gene: ANK1 (ankyrin 1; minus strand). Cytogenetic location: 8p11.21.
Variant type: single nucleotide variant.
Coding change: c.5407C>T on transcript NM_000037.4 (MANE Select); coding-DNA position 5407, C replaced by T.
Protein change: p.Gln1803Ter; replaces glutamine 1803 with a stop codon.
Molecular consequence: nonsense.
Genome position (GRCh38, 1-based): chr8:41,663,730, G>A on the plus strand (C>T on the coding strand, the complement: ANK1 is on the minus strand). VCF-style: chr8-41663730-G-A. GRCh37 (hg19) VCF-style: chr8-41521248-G-A.
Other names: c.232C>T, p.Gln78Ter (NM_001142445.2, NM_020478.5, NM_020480.5); c.5530C>T, p.Gln1844Ter (NM_001142446.2); c.5407C>T, p.Gln1803Ter (NM_020475.3, NM_020476.3); c.4921C>T, p.Gln1641Ter (NM_020477.3); short protein forms Q1641*, Q1803*, Q1844*, Q78*.
Identifiers: ClinVar variation 5018594 (VCV005018594.1).

ClinVar aggregate classification (germline): Pathogenic (1 of 4 stars; one submission).

Conditions:
Hereditary spherocytosis type 1. Also called: Spherocytosis type 1; ANK1-Related Spherocytosis. Identifiers: Orphanet 822, MedGen C2674218, MONDO:0008447, OMIM 182900.

Submission:

Juno Genomics, Hangzhou Juno Genomics, Inc
Classification: Pathogenic for Hereditary spherocytosis type 1. Review status: criteria provided, single submitter. Criteria: ACMG Guidelines, 2015. Collection method: clinical testing. Allele origin: germline. Affected: yes.
Comment: Absent from controls (or at extremely low frequency if recessive) in Genome Aggregation Database.;De novo (both maternity and paternity confirmed) in a patient with the disease and no family history.;Null variant in a gene where loss of function (LOF) is a known mechanism of disease.